The following is an entry in ClinVar:

ClinVar aggregate classification (germline): Uncertain significance (1 of 4 stars; one submission).

Allele frequency attached by ClinVar (database versions not stated): gnomAD exomes below 0.00001; ExAC 0.00001.

Submission:

Labcorp Genetics (formerly Invitae), Labcorp
Classification: Uncertain significance. Last evaluated: 2023-04-08. Review status: criteria provided, single submitter. Criteria: Invitae Variant Classification Sherloc (09022015). Collection method: clinical testing. Allele origin: germline.
Comment: In summary, the available evidence is currently insufficient to determine the role of this variant in disease. Therefore, it has been classified as a Variant of Uncertain Significance. Variants that disrupt the consensus splice site are a relatively common cause of aberrant splicing (PMID: 17576681, 9536098). Algorithms developed to predict the effect of sequence changes on RNA splicing suggest that this variant may disrupt the consensus splice site. This variant has not been reported in the literature in individuals affected with CLCN6-related conditions. This variant is present in population databases (rs747248779, gnomAD 0.0009%). This sequence change falls in intron 4 of the CLCN6 gene. It does not directly change the encoded amino acid sequence of the CLCN6 protein. It affects a nucleotide within the consensus splice site.

Literature cited by the submitters: PubMed 17576681; PubMed 9536098.

NM_001286.5(CLCN6):c.280-3C>A

Gene: CLCN6 (chloride voltage-gated channel 6; plus strand). Cytogenetic location: 1p36.22.
Variant type: single nucleotide variant.
Coding change: c.280-3C>A on transcript NM_001286.5 (MANE Select); 3 bases into the intron before coding-DNA position 280, C replaced by A.
Molecular consequence: intron variant.
Genome position (GRCh38, 1-based): chr1:11,819,485, C>A. VCF-style: chr1-11819485-C-A. GRCh37 (hg19) VCF-style: chr1-11879542-C-A.
Other names: c.214-3C>A (NM_001256959.2).
Identifiers: ClinVar variation 2780357 (VCV002780357.3), dbSNP rs747248779, ClinGen allele CA595988.